The following is an entry in ClinVar:

NM_001079668.3(NKX2-1):c.679dup (p.Met227fs)

Genes: NKX2-1 (NK2 homeobox 1; minus strand), SFTA3 (surfactant associated 3; minus strand). Cytogenetic location: 14q13.3.
Variant type: Duplication.
Coding change: c.679dup on transcript NM_001079668.3 (MANE Select); coding-DNA position 679, one base duplicated (A; older notation c.679dupA).
Protein change: p.Met227fs; shifts the reading frame from methionine 227.
Molecular consequence: frameshift variant.
Genome position (GRCh38, 1-based): chr14:36,517,805, T duplicated on the plus strand (A on the coding strand, the reverse complement: NKX2-1 is on the minus strand). VCF-style (leftmost placement, unchanged base first): chr14-36517804-A-AT. GRCh37 (hg19) VCF-style: chr14-36987009-A-AT.
Other names: c.589dup, p.Met197fs (NM_003317.4); short protein forms M197fs, M227fs.
Identifiers: ClinVar variation 1333486 (VCV001333486.1), dbSNP rs2139407395, ClinGen allele CA2573053907.
Genomic context (GRCh38, chr14:36,517,804, plus strand): 5'-TTCATTTTGTAGCGGTGGTTCTGGAACCAGATCTTGACCTGCGTGGGCGTCAGGTGGATC[A>AT]TGCTGGCCAGGTGCTCGCGCTCCGGCGCCGACAGGTACTTCTGTTGCTTGAAGCGTCGCT-3'

ClinVar aggregate classification (germline): Likely pathogenic (1 of 4 stars; one submission).

Conditions:
Brain-lung-thyroid syndrome. Also called: CHOREOATHETOSIS AND CONGENITAL HYPOTHYROIDISM WITH PULMONARY DYSFUNCTION; Choreoathetosis, Congenital Hypothyroidism, and Neonatal Respiratory Distress Syndrome (Brain-Lung-Thyroid Syndrome); Choreoathetosis, congenital hypothyroidism, and neonatal respiratory distress. Identifiers: Orphanet 209905, MedGen C1970269, MONDO:0012593, OMIM 610978.

Submission:

3billion
Classification: Likely pathogenic for Brain-lung-thyroid syndrome. Last evaluated: 2022-01-03. Review status: criteria provided, single submitter. Criteria: ACMG Guidelines, 2015. Collection method: clinical testing. Allele origin: germline. Affected: yes. Observed: 1 heterozygote.
Comment: Frameshift: predicted to result in a loss or disruption of normal protein function through protein truncation. Multiple pathogenic variants are reported in the predicted truncated region (PVS1_S). It is not observed in the gnomAD v2.1.1 dataset (PM2_M). Therefore, this variant is classified as likely pathogenic according to the recommendation of ACMG/AMP guideline.